The following is an entry in ClinVar:

NC_000001.11:g.94051699del

Gene: ABCA4 (ATP binding cassette subfamily A member 4; minus strand). Cytogenetic location: 1p22.1.
Variant type: Deletion.
Genome position: GRCh38 VCF-style: chr1-94051697-TC-T. GRCh37 (hg19) VCF-style: chr1-94517253-TC-T.
Identifiers: ClinVar variation 2033359 (VCV002033359.5), dbSNP rs2523805441, ClinGen allele CA2580063352.

ClinVar aggregate classification (germline): Pathogenic (1 of 4 stars; one submission).

Submission:

Labcorp Genetics (formerly Invitae), Labcorp
Classification: Pathogenic. Last evaluated: 2022-09-29. Review status: criteria provided, single submitter. Criteria: Invitae Variant Classification Sherloc (09022015). Collection method: clinical testing. Allele origin: germline.
Comment: For these reasons, this variant has been classified as Pathogenic. Algorithms developed to predict the effect of sequence changes on RNA splicing suggest that this variant may disrupt the consensus splice site. This variant has not been reported in the literature in individuals affected with ABCA4-related conditions. This variant is not present in population databases (gnomAD no frequency). This sequence change creates a premature translational stop signal (p.Gly863Glufs*38) in the ABCA4 gene. It is expected to result in an absent or disrupted protein product. Loss-of-function variants in ABCA4 are known to be pathogenic (PMID: 10958761, 24938718, 25312043, 26780318).

Literature cited by the submitters: PubMed 10958761; PubMed 24938718; PubMed 25312043; PubMed 26780318.